The following is an entry in ClinVar:

ClinVar aggregate classification (germline): Uncertain significance (1 of 4 stars; one submission).

Conditions:
Hereditary cancer-predisposing syndrome. Also called: Neoplastic Syndromes, Hereditary; Tumor predisposition; Hereditary Cancer Syndrome; Hereditary neoplastic syndrome. Identifiers: Orphanet 140162, MedGen C0027672, MeSH D009386, MONDO:0015356.

Submission:

Ambry Genetics
Classification: Uncertain significance for Hereditary cancer-predisposing syndrome. Last evaluated: 2025-09-05. Review status: criteria provided, single submitter. Criteria: Ambry Variant Classification Scheme 2023. Collection method: clinical testing. Allele origin: germline.
Comment: The p.M115L variant (also known as c.343A>T), located in coding exon 3 of the APC gene, results from an A to T substitution at nucleotide position 343. The methionine at codon 115 is replaced by leucine, an amino acid with highly similar properties. This amino acid position is well conserved in available vertebrate species. In addition, in silico predictors for this gene do not accurately predict pathogenicity. Missense alterations in APC are not a common cause of disease (Spier I et al. Genet Med. 2024 Feb;26(2):100992). Based on the available evidence, the clinical significance of this variant remains unclear.

NM_000038.6(APC):c.343A>T (p.Met115Leu)

Gene: APC (APC regulator of Wnt signaling pathway; plus strand). Cytogenetic location: 5q22.2.
Variant type: single nucleotide variant.
Coding change: c.343A>T on transcript NM_000038.6 (MANE Select); coding-DNA position 343, A replaced by T.
Protein change: p.Met115Leu; replaces methionine 115 with leucine.
Molecular consequence: missense variant. On other transcripts: 5 prime UTR variant (1).
Genome position (GRCh38, 1-based): chr5:112,767,311, A>T. VCF-style: chr5-112767311-A-T. GRCh37 (hg19) VCF-style: chr5-112103008-A-T.
Other names: c.373A>T, p.Met125Leu (NM_001354897.2, NM_001354902.2, NM_001407446.1 and 1 more transcripts); c.268A>T, p.Met90Leu (NM_001354898.2, NM_001354904.2, NM_001407451.1); c.343A>T, p.Met115Leu (NM_001354899.2, NM_001354903.2, NM_001407447.1 and 16 more transcripts); c.166A>T, p.Met56Leu (NM_001354900.2, NM_001354901.2, NM_001354905.2 and 1 more transcripts); c.-693A>T (NM_001354906.2, NM_001407470.1, NM_001407471.1 and 1 more transcripts); short protein forms M125L, M56L, M115L, M90L.
Identifiers: ClinVar variation 1731444 (VCV001731444.3), dbSNP rs1060503276, ClinGen allele CA16022070.